The following is an entry in ClinVar:

ClinVar aggregate classification (germline): Conflicting classifications of pathogenicity. Review status: criteria provided, conflicting classifications (1 of 4 stars). 4 submissions from 4 submitters: Uncertain significance (2); Likely benign (1). 1 of the submissions does not count toward it. Last evaluated 2024-10-05.

Conditions:
Microcephaly, normal intelligence and immunodeficiency (NBS). Also called: BERLIN BREAKAGE SYNDROME; IMMUNODEFICIENCY, MICROCEPHALY, AND CHROMOSOMAL INSTABILITY; Microcephaly with normal intelligence immunodeficiency and lymphoreticular malignancies; Nonsyndromal microcephaly autosomal recessive with normal intelligence; Seemanova syndrome 2; SEEMANOVA SYNDROME II. Identifiers: Orphanet 647, MedGen C0398791, MONDO:0009623, OMIM 251260.
Hereditary cancer-predisposing syndrome. Also called: Hereditary neoplastic syndrome; Neoplastic Syndromes, Hereditary; Tumor predisposition; Hereditary Cancer Syndrome. Identifiers: Orphanet 140162, MedGen C0027672, MeSH D009386, MONDO:0015356.

Allele frequency attached by ClinVar (database versions not stated): gnomAD exomes below 0.00001.
gnomAD v4.1: 3 of 1,613,270 alleles (0.00019%); highest among the groups gnomAD compares: Admixed American, 0.0017%; no homozygotes.

Submissions (4):

Labcorp Genetics (formerly Invitae), Labcorp
Classification: Uncertain significance for Microcephaly, normal intelligence and immunodeficiency. Last evaluated: 2024-10-05. Review status: criteria provided, single submitter. Criteria: Invitae Variant Classification Sherloc (09022015). Collection method: clinical testing. Allele origin: germline.
Comment: This sequence change replaces proline, which is neutral and non-polar, with threonine, which is neutral and polar, at codon 498 of the NBN protein (p.Pro498Thr). This variant is present in population databases (no rsID available, gnomAD 0.004%). This variant has not been reported in the literature in individuals affected with NBN-related conditions. ClinVar contains an entry for this variant (Variation ID: 1202463). An algorithm developed to predict the effect of missense changes on protein structure and function outputs the following: PolyPhen-2: "Benign". The threonine amino acid residue is found in multiple mammalian species, which suggests that this missense change does not adversely affect protein function. In summary, the available evidence is currently insufficient to determine the role of this variant in disease. Therefore, it has been classified as a Variant of Uncertain Significance.

Ambry Genetics
Classification: Likely benign for Hereditary cancer-predisposing syndrome. Last evaluated: 2024-01-22. Review status: criteria provided, single submitter. Criteria: Ambry Variant Classification Scheme 2023. Collection method: clinical testing. Allele origin: germline.

GeneDx
Classification: Uncertain significance. Last evaluated: 2023-02-24. Review status: criteria provided, single submitter. Criteria: GeneDx Variant Classification Process June 2021. Collection method: clinical testing. Allele origin: germline. Affected: yes.
Comment: Not observed at significant frequency in large population cohorts (gnomAD); In silico analysis supports that this missense variant does not alter protein structure/function; Has not been previously published as pathogenic or benign to our knowledge; This variant is associated with the following publications: (PMID: 28767289)

Natera, Inc.
Classification: Uncertain significance for Nijmegen breakage syndrome. Last evaluated: 2020-06-18. Review status: no assertion criteria provided. Collection method: clinical testing. Allele origin: germline. Not counted in ClinVar's aggregate classification.

NM_002485.5(NBN):c.1492C>A (p.Pro498Thr)

Gene: NBN (nibrin; minus strand). Cytogenetic location: 8q21.3.
Variant type: single nucleotide variant.
Coding change: c.1492C>A on transcript NM_002485.5 (MANE Select); coding-DNA position 1492, C replaced by A.
Protein change: p.Pro498Thr; replaces proline 498 with threonine.
Molecular consequence: missense variant.
Genome position (GRCh38, 1-based): chr8:89,953,597, G>T on the plus strand (C>A on the coding strand, the complement: NBN is on the minus strand). VCF-style: chr8-89953597-G-T. GRCh37 (hg19) VCF-style: chr8-90965825-G-T.
Other names: c.1246C>A, p.Pro416Thr (NM_001024688.3); short protein forms P416T, P498T.
Identifiers: ClinVar variation 1202463 (VCV001202463.8), dbSNP rs915825113, ClinGen allele CA181258037.